The following is an entry in ClinVar:

ClinVar aggregate classification (germline): Uncertain significance (1 of 4 stars; one submission).

Conditions:
Familial acute necrotizing encephalopathy (IIAE3). Also called: Susceptibility to Acute Necrotizing Encephalopathy 1; ENCEPHALOPATHY, ACUTE, INFECTION-INDUCED, SUSCEPTIBILITY TO, 3. Identifiers: Orphanet 88619, MedGen C2675556, MONDO:0011953, OMIM 608033.

Allele frequency attached by ClinVar (database versions not stated): gnomAD exomes 0.00001; TOPMed 0.00001.
gnomAD v4.1: 22 of 1,614,106 alleles (0.0014%); highest among the groups gnomAD compares: Non-Finnish European, 0.0018%; no homozygotes.

Submission:

Labcorp Genetics (formerly Invitae), Labcorp
Classification: Uncertain significance for Familial acute necrotizing encephalopathy. Last evaluated: 2017-07-20. Review status: criteria provided, single submitter. Criteria: Invitae Variant Classification Sherloc (09022015). Collection method: clinical testing. Allele origin: germline.
Comment: This sequence change replaces glycine with valine at codon 1012 of the RANBP2 protein (p.Gly1012Val). The glycine residue is highly conserved and there is a moderate physicochemical difference between glycine and valine. This variant is present in population databases (rs149826319, ExAC 0.004%). This variant has not been reported in the literature in individuals with RANBP2-related disease. Algorithms developed to predict the effect of missense changes on protein structure and function do not agree on the potential impact of this missense change (SIFT: "Deleterious"; PolyPhen-2: "Benign"; Align-GVGD: "Class C65"). In summary, the available evidence is currently insufficient to determine the role of this variant in disease. Therefore, it has been classified as a Variant of Uncertain Significance.

NM_006267.5(RANBP2):c.3035G>T (p.Gly1012Val)

Gene: RANBP2 (RAN binding protein 2; plus strand). Cytogenetic location: 2q13.
Variant type: single nucleotide variant.
Coding change: c.3035G>T on transcript NM_006267.5 (MANE Select); coding-DNA position 3035, G replaced by T.
Protein change: p.Gly1012Val; replaces glycine 1012 with valine.
Molecular consequence: missense variant.
Genome position (GRCh38, 1-based): chr2:108,763,574, G>T. VCF-style: chr2-108763574-G-T. GRCh37 (hg19) VCF-style: chr2-109380030-G-T.
Other names: short protein forms G1012V.
Identifiers: ClinVar variation 469446 (VCV000469446.1), dbSNP rs149826319, ClinGen allele CA1822861.